The following is an entry in ClinVar:

NM_000051.4(ATM):c.7630-4A>G

Genes: ATM (ATM serine/threonine kinase; plus strand), C11orf65 (chromosome 11 open reading frame 65; minus strand). Cytogenetic location: 11q22.3.
Variant type: single nucleotide variant.
Coding change: c.7630-4A>G on transcript NM_000051.4 (MANE Select); 4 bases into the intron before coding-DNA position 7630, A replaced by G.
Molecular consequence: intron variant.
Genome position (GRCh38, 1-based): chr11:108,331,875, A>G. VCF-style: chr11-108331875-A-G. GRCh37 (hg19) VCF-style: chr11-108202602-A-G.
Other names: c.7630-4A>G (NM_001351834.2); c.641-22804T>C (NM_001330368.2); c.*38+3345T>C (NM_001351110.2).
Identifiers: ClinVar variation 388311 (VCV000388311.8), dbSNP rs1057523067, ClinGen allele CA16606851.

ClinVar aggregate classification (germline): Likely benign. Review status: criteria provided, multiple submitters, no conflicts (2 of 4 stars). 3 submissions from 3 submitters: Likely benign (3). Last evaluated 2024-06-17.

Conditions:
Familial cancer of breast. Also called: Hereditary breast cancer; BREAST CANCER, FAMILIAL; hereditary breast carcinoma. Identifiers: Orphanet 227535, MedGen C0346153, MONDO:0016419, OMIM 114480. Disease mechanism: loss of function.
Ataxia-telangiectasia syndrome (AT). Also called: LOUIS-BAR SYNDROME; Cerebello-oculocutaneous telangiectasia; Immunodeficiency with ataxia telangiectasia; Ataxia-telangiectasia, complementation group D; AT, COMPLEMENTATION GROUP C; Ataxia-telangiectasia, complementation group E. Identifiers: Orphanet 100, MedGen C0004135, MONDO:0008840, OMIM 208900.

Allele frequency attached by ClinVar (database versions not stated): gnomAD 0.00001; TOPMed below 0.00001.
gnomAD v4.1: 1 of 1,612,990 alleles (0.000062%); highest among the groups gnomAD compares: Admixed American, 0.0017%; no homozygotes.

Submissions (3):

Myriad Genetics, Inc.
Classification: Likely benign for Familial cancer of breast. Last evaluated: 2024-06-17. Review status: criteria provided, single submitter. Criteria: Myriad Autosomal Dominant, Autosomal Recessive and X-Linked Classification Criteria (2023). Collection method: clinical testing. Allele origin: unknown.
Comment: This variant is considered likely benign. This variant is intronic and is not expected to impact mRNA splicing.

Labcorp Genetics (formerly Invitae), Labcorp
Classification: Likely benign for Ataxia-telangiectasia syndrome. Last evaluated: 2022-10-27. Review status: criteria provided, single submitter. Criteria: Invitae Variant Classification Sherloc (09022015). Collection method: clinical testing. Allele origin: germline.

GeneDx
Classification: Likely benign. Last evaluated: 2016-08-01. Review status: criteria provided, single submitter. Criteria: GeneDx Variant Classification (06012015). Collection method: clinical testing. Allele origin: germline. Affected: yes.
Comment: This variant is considered likely benign or benign based on one or more of the following criteria: it is a conservative change, it occurs at a poorly conserved position in the protein, it is predicted to be benign by multiple in silico algorithms, and/or has population frequency not consistent with disease.